The following is an entry in ClinVar:

NC_000009.11:g.(141013221_141014616)_(141019072_?)dup

Gene: CACNA1B (calcium voltage-gated channel subunit alpha1 B; plus strand). Cytogenetic location: 9q34.3.
Variant type: Duplication.
Identifiers: ClinVar variation 4852993 (VCV004852993.1).

ClinVar aggregate classification (germline): Uncertain significance (1 of 4 stars; one submission).

Submission:

Women's Health and Genetics/Laboratory Corporation of America, LabCorp
Classification: Uncertain significance. Last evaluated: 2026-05-29. Review status: criteria provided, single submitter. Criteria: LabCorp Variant Classification Summary - May 2015. Collection method: clinical testing. Allele origin: germline.
Comment: Variant summary: The variant involves the duplication of exons 45-47 in the CACNA1B gene. A presumed nomenclature of c.(6030+1_6031-1)_(*2621_?)dup has been designated for the purposes of this classification. The exact breakpoint at the 3' end of this variant is unknown, therefore this duplication may extend downstream of the annotated region of the gene. As it duplicates the termination codon, its effect on the encoded protein is unknown. The variant was absent in 21694 control chromosomes. The available data on variant occurrences in the general population are insufficient to allow any conclusion about variant significance. To our knowledge, no occurrence of c.(6030+1_6031-1)_(*2621_?)dup in individuals affected with CACNA1B-related conditions and no experimental evidence demonstrating its impact on protein function have been reported. ClinVar contains an entry for this variant (Variation ID: 2423366). Based on the evidence outlined above, the variant was classified as uncertain significance.